The following is an entry in ClinVar:

ClinVar aggregate classification (germline): Uncertain significance (1 of 4 stars; one submission).

Allele frequency attached by ClinVar (database versions not stated): gnomAD exomes below 0.00001; TOPMed below 0.00001.
gnomAD v4.1: 1 of 1,614,150 alleles (0.000062%); highest among the groups gnomAD compares: African/African-American, 0.0013%; no homozygotes.

Submission:

Labcorp Genetics (formerly Invitae), Labcorp
Classification: Uncertain significance. Last evaluated: 2024-10-24. Review status: criteria provided, single submitter. Criteria: Invitae Variant Classification Sherloc (09022015). Collection method: clinical testing. Allele origin: germline.
Comment: This sequence change replaces proline, which is neutral and non-polar, with arginine, which is basic and polar, at codon 541 of the FAT2 protein (p.Pro541Arg). This variant is not present in population databases (gnomAD no frequency). This variant has not been reported in the literature in individuals affected with FAT2-related conditions. Invitae Evidence Modeling of protein sequence and biophysical properties (such as structural, functional, and spatial information, amino acid conservation, physicochemical variation, residue mobility, and thermodynamic stability) indicates that this missense variant is not expected to disrupt FAT2 protein function with a negative predictive value of 80%. In summary, the available evidence is currently insufficient to determine the role of this variant in disease. Therefore, it has been classified as a Variant of Uncertain Significance.

NM_001447.3(FAT2):c.1622C>G (p.Pro541Arg)

Gene: FAT2 (FAT atypical cadherin 2; minus strand). Cytogenetic location: 5q33.1.
Variant type: single nucleotide variant.
Coding change: c.1622C>G on transcript NM_001447.3 (MANE Select); coding-DNA position 1622, C replaced by G.
Protein change: p.Pro541Arg; replaces proline 541 with arginine.
Molecular consequence: missense variant.
Genome position (GRCh38, 1-based): chr5:151,567,310, G>C on the plus strand (C>G on the coding strand, the complement: FAT2 is on the minus strand). VCF-style: chr5-151567310-G-C. GRCh37 (hg19) VCF-style: chr5-150946871-G-C.
Other names: short protein forms P541R.
Identifiers: ClinVar variation 2866670 (VCV002866670.3), dbSNP rs1758319404, ClinGen allele CA361854109.